The following is an entry in ClinVar:

ClinVar aggregate classification (germline): Uncertain significance. Review status: criteria provided, multiple submitters, no conflicts (2 of 4 stars). 2 submissions from 2 submitters: Uncertain significance (2). Last evaluated 2025-03-01.

Conditions:
Developmental and epileptic encephalopathy, 31A. Also called: Epileptic encephalopathy, early infantile, 31; Developmental and epileptic encephalopathy, 31. Identifiers: Orphanet 2382, MedGen C4225357, MONDO:0014598, OMIM 616346.

gnomAD v4.1: 1 of 1,610,388 alleles (0.000062%); no homozygotes.

Submissions (2):

GeneDx
Classification: Uncertain significance. Last evaluated: 2025-03-01. Review status: criteria provided, single submitter. Criteria: GeneDx Variant Classification Process June 2021. Collection method: clinical testing. Allele origin: germline. Affected: yes.
Comment: Not observed at significant frequency in large population cohorts (gnomAD); In silico analysis indicates that this missense variant does not alter protein structure/function; Has not been previously published as pathogenic or benign to our knowledge

Labcorp Genetics (formerly Invitae), Labcorp
Classification: Uncertain significance for Developmental and epileptic encephalopathy, 31A. Last evaluated: 2022-03-19. Review status: criteria provided, single submitter. Criteria: Invitae Variant Classification Sherloc (09022015). Collection method: clinical testing. Allele origin: germline.
Comment: This variant has not been reported in the literature in individuals affected with DNM1-related conditions. This variant is not present in population databases (gnomAD no frequency). This sequence change replaces valine, which is neutral and non-polar, with methionine, which is neutral and non-polar, at codon 118 of the DNM1 protein (p.Val118Met). ClinVar contains an entry for this variant (Variation ID: 1008455). In summary, the available evidence is currently insufficient to determine the role of this variant in disease. Therefore, it has been classified as a Variant of Uncertain Significance. Advanced modeling of protein sequence and biophysical properties (such as structural, functional, and spatial information, amino acid conservation, physicochemical variation, residue mobility, and thermodynamic stability) performed at Invitae indicates that this missense variant is not expected to disrupt DNM1 protein function.

NM_004408.4(DNM1):c.352G>A (p.Val118Met)

Genes: DNM1 (dynamin 1; plus strand), LOC113839516 (Sharpr-MPRA regulatory region 8497; plus strand). Cytogenetic location: 9q34.11.
Variant type: single nucleotide variant.
Coding change: c.352G>A on transcript NM_004408.4 (MANE Select); coding-DNA position 352, G replaced by A.
Protein change: p.Val118Met; replaces valine 118 with methionine.
Molecular consequence: missense variant.
Genome position (GRCh38, 1-based): chr9:128,218,698, G>A. VCF-style: chr9-128218698-G-A. GRCh37 (hg19) VCF-style: chr9-130980977-G-A.
Other names: c.352G>A (NM_004408.3); c.352G>A, p.Val118Met (NM_001005336.3, NM_001288737.2, NM_001288738.2 and 2 more transcripts); short protein forms V118M.
Identifiers: ClinVar variation 1008455 (VCV001008455.10), dbSNP rs1834758362, ClinGen allele CA375010784.